The following is an entry in ClinVar:

NM_152383.5(DIS3L2):c.1426-18A>G

Gene: DIS3L2 (DIS3 like 3'-5' exoribonuclease 2; plus strand). Cytogenetic location: 2q37.1.
Variant type: single nucleotide variant.
Coding change: c.1426-18A>G on transcript NM_152383.5 (MANE Select); 18 bases into the intron before coding-DNA position 1426, A replaced by G.
Molecular consequence: intron variant.
Genome position (GRCh38, 1-based): chr2:232,263,189, A>G. VCF-style: chr2-232263189-A-G. GRCh37 (hg19) VCF-style: chr2-233127899-A-G.
Other names: c.1426-18A>G (NM_001257281.2).
Identifiers: ClinVar variation 1369290 (VCV001369290.6), dbSNP rs1429732511, ClinGen allele CA540308611.

ClinVar aggregate classification (germline): Uncertain significance (1 of 4 stars; one submission).

Conditions:
Perlman syndrome (PRLMNS). Identifiers: Orphanet 2849, MedGen C0796113, MONDO:0009965, OMIM 267000.

Allele frequency attached by ClinVar (database versions not stated): gnomAD exomes below 0.00001.
gnomAD v4.1: 1 of 1,612,458 alleles (0.000062%); highest among the groups gnomAD compares: Non-Finnish European, 0.000085%; no homozygotes.

Submission:

Labcorp Genetics (formerly Invitae), Labcorp
Classification: Uncertain significance for Perlman syndrome. Last evaluated: 2023-10-24. Review status: criteria provided, single submitter. Criteria: Invitae Variant Classification Sherloc (09022015). Collection method: clinical testing. Allele origin: germline.
Comment: This sequence change falls in intron 12 of the DIS3L2 gene. It does not directly change the encoded amino acid sequence of the DIS3L2 protein. This variant is present in population databases (no rsID available, gnomAD 0.0009%). This variant has not been reported in the literature in individuals affected with DIS3L2-related conditions. ClinVar contains an entry for this variant (Variation ID: 1369290). Algorithms developed to predict the effect of sequence changes on RNA splicing suggest that this variant may disrupt the consensus splice site. In summary, the available evidence is currently insufficient to determine the role of this variant in disease. Therefore, it has been classified as a Variant of Uncertain Significance.